The following is an entry in ClinVar:

ClinVar aggregate classification (germline): Uncertain significance (1 of 4 stars; one submission).

Conditions:
Ataxia-telangiectasia syndrome (AT). Also called: Ataxia-telangiectasia, complementation group D; AT, COMPLEMENTATION GROUP C; ATAXIA-TELANGIECTASIA, COMPLEMENTATION GROUP A; ATAXIA-TELANGIECTASIA, FRESNO VARIANT; Ataxia-telangiectasia; LOUIS-BAR SYNDROME. Identifiers: Orphanet 100, MedGen C0004135, MONDO:0008840, OMIM 208900.

Submission:

Labcorp Genetics (formerly Invitae), Labcorp
Classification: Uncertain significance for Ataxia-telangiectasia syndrome. Last evaluated: 2023-12-11. Review status: criteria provided, single submitter. Criteria: Invitae Variant Classification Sherloc (09022015). Collection method: clinical testing. Allele origin: germline.
Comment: This sequence change replaces serine, which is neutral and polar, with arginine, which is basic and polar, at codon 1993 of the ATM protein (p.Ser1993Arg). This variant is not present in population databases (gnomAD no frequency). This variant has not been reported in the literature in individuals affected with ATM-related conditions. ClinVar contains an entry for this variant (Variation ID: 653642). An algorithm developed to predict the effect of missense changes on protein structure and function (PolyPhen-2) suggests that this variant is likely to be disruptive. In summary, the available evidence is currently insufficient to determine the role of this variant in disease. Therefore, it has been classified as a Variant of Uncertain Significance.

NM_000051.4(ATM):c.5977A>C (p.Ser1993Arg)

Genes: ATM (ATM serine/threonine kinase; plus strand), C11orf65 (chromosome 11 open reading frame 65; minus strand). Cytogenetic location: 11q22.3.
Variant type: single nucleotide variant.
Coding change: c.5977A>C on transcript NM_000051.4 (MANE Select); coding-DNA position 5977, A replaced by C.
Protein change: p.Ser1993Arg; replaces serine 1993 with arginine.
Molecular consequence: missense variant. On other transcripts: intron variant (2).
Genome position (GRCh38, 1-based): chr11:108,312,469, A>C. VCF-style: chr11-108312469-A-C. GRCh37 (hg19) VCF-style: chr11-108183196-A-C.
Other names: c.5977A>C, p.Ser1993Arg (NM_001351834.2); c.641-3398T>G (NM_001330368.2); c.*39-3398T>G (NM_001351110.2); short protein forms S1993R.
Identifiers: ClinVar variation 653642 (VCV000653642.9), dbSNP rs1591758703, ClinGen allele CA382548748.